The following is an entry in ClinVar:

NM_001099922.3(ALG13):c.320A>G (p.Asn107Ser)

Gene: ALG13 (ALG13 UDP-N-acetylglucosaminyltransferase subunit; plus strand). Cytogenetic location: Xq23.
Variant type: single nucleotide variant.
Coding change: c.320A>G on transcript NM_001099922.3 (MANE Select); coding-DNA position 320, A replaced by G.
Protein change: p.Asn107Ser; replaces asparagine 107 with serine.
Molecular consequence: missense variant. On other transcripts: synonymous variant (1), non-coding transcript variant (3).
Genome position (GRCh38, 1-based): chrX:111,685,040, A>G. VCF-style: chrX-111685040-A-G. GRCh37 (hg19) VCF-style: chrX-110928268-A-G.
Other names: NP_001093392.1:p.(Asn107Ser); c.320A>G, p.Asn107Ser (NM_018466.6, NM_001168385.3, NM_001324292.2); c.261A>G, p.Gln87= (NM_001039210.5); c.8A>G, p.Asn3Ser (NM_001257230.2, NM_001257234.2, NM_001257235.3 and 6 more transcripts); c.86A>G, p.Asn29Ser (NM_001257231.2, NM_001257241.3); c.326A>G, p.Asn109Ser (NM_001324290.2); c.[320A>G] (NM_001099922.2); short protein forms N107S, N3S, N109S, N29S.
Identifiers: ClinVar variation 66086 (VCV000066086.87), dbSNP rs398122394, ClinGen allele CA144875.

ClinVar aggregate classification (germline): Pathogenic/Likely pathogenic. Review status: criteria provided, multiple submitters, no conflicts (2 of 4 stars). 30 submissions from 29 submitters: Pathogenic (22); Likely pathogenic (1). 7 of the submissions do not count toward it. Last evaluated 2026-03-01.

Conditions:
Microcephaly. Also called: Microcephaly (disease). Identifiers: MedGen C4551563, MONDO:0001149, HP:0000252.
Neurodevelopmental delay. Identifiers: MedGen C4022738, HP:0012758.
Seizure. Also called: Seizures. Identifiers: MedGen C0036572, HP:0001250.
Hypotonia. Also called: Muscular hypotonia; poor muscle tone. Identifiers: MedGen C0026827, HP:0001252.
ALG13-related disorder. Also called: ALG13-related condition.
Rare genetic intellectual disability. Identifiers: Orphanet 183757, MedGen C5680527.
Inborn genetic diseases. Identifiers: MedGen C0950123, MeSH D030342.
Developmental and epileptic encephalopathy. Identifiers: MedGen C5779964, MONDO:0100620.
Developmental and epileptic encephalopathy, 36 (DEE36). Also called: Congenital disorder of glycosylation, type Is; ALG13-CDG; Epileptic encephalopathy, early infantile, 36. Identifiers: Orphanet 324422, MedGen C4317295, MONDO:0010472, OMIM 300884.
Intellectual disability. Also called: intellectual disabilities; Intellectual functioning disability; Intellectual developmental disorder. Identifiers: MedGen C3714756, MeSH D008607, MONDO:0001071, HP:0001249.

Submissions 1 to 13 of 30:

CeGaT Center for Human Genetics Tuebingen
Classification: Pathogenic. Last evaluated: 2026-03-01. Review status: criteria provided, single submitter. Criteria: CeGaT Center For Human Genetics Tuebingen Variant Classification Criteria Version 2. Collection method: clinical testing. Allele origin: germline. Affected: yes. Observed: 2 variant alleles.
Comment: ALG13: PS2:Very Strong, PS4, PM2, PM5:Supporting, BP4

3billion
Classification: Pathogenic for Developmental and epileptic encephalopathy, 36. Last evaluated: 2026-01-06. Review status: criteria provided, single submitter. Criteria: ACMG Guidelines, 2015. Collection method: clinical testing. Allele origin: germline. Affected: yes.
Comment: The variant is not observed in the gnomAD v4.1.0 dataset. Predicted Consequence/Location: Missense variant. Missense changes are a common disease-causing mechanism. In silico tool predictions suggest damaging effect of the variant on gene or gene product [3Cnet: 0.90 (> 0.75, sensitivity 0.96 and precision 0.92)]. The same nucleotide change resulting in the same amino acid change has been previously reported as pathogenic/likely pathogenic with strong evidence (ClinVar ID: VCV000066086 /PMID: 23934111 /3billion dataset). The variant has been previously reported as de novo in a similarly affected individual (PMID: 25533962). The variant has been observed in multiple (>3) similarly affected unrelated individuals (PMID: 31327507). Different missense changes at the same codon (p.Asn107Ile, p.Asn107Thr) have been reported to be associated with ALG13-related disorder (ClinVar ID: VCV000870209 /PMID: 28628100). Therefore, this variant is classified as Pathogenic according to the recommendation of ACMG/AMP guideline.

Ambry Genetics
Classification: Pathogenic for Inborn genetic diseases. Last evaluated: 2025-07-30. Review status: criteria provided, single submitter. Criteria: Ambry Variant Classification Scheme 2023. Collection method: clinical testing. Allele origin: germline.
Comment: The c.320A>G (p.N107S) alteration is located in exon 3 (coding exon 3) of the ALG13 gene. This alteration results from a A to G substitution at nucleotide position 320, causing the asparagine (N) at amino acid position 107 to be replaced by a serine (S). This variant was not reported in population-based cohorts in the Genome Aggregation Database (gnomAD). This variant has been detected as a de novo occurrence in multiple individuals with features consistent with ALG13-related developmental and epileptic encephalopathy (de Ligt, 2012; Epi4K, 2013; Michaud, 2014; Dimassi, 2015; Ng, 2020). In at least one female patient, X-inactivation studies demonstrated a random pattern of X-inactivation, with no evidence of skewing (Hamici, 2017). This amino acid position is highly conserved in available vertebrate species. In silico predictors for this gene do not accurately predict pathogenicity. Based on the available evidence, this alteration is classified as pathogenic.

Labcorp Genetics (formerly Invitae), Labcorp
Classification: Pathogenic for Developmental and epileptic encephalopathy, 36. Last evaluated: 2025-01-27. Review status: criteria provided, single submitter. Criteria: Invitae Variant Classification Sherloc (09022015). Collection method: clinical testing. Allele origin: germline.
Comment: This sequence change replaces asparagine, which is neutral and polar, with serine, which is neutral and polar, at codon 107 of the ALG13 protein (p.Asn107Ser). This variant is not present in population databases (gnomAD no frequency). This missense change has been observed in individual(s) with infantile spasms, Lennox-Gastaut syndrome, West syndrome and severe intellectual disability (PMID: 23934111, 24781210, 24896178, 25732998, 26138355, 26482601). In at least one individual the variant was observed to be de novo. This variant is also known as X:110928268 A>G. ClinVar contains an entry for this variant (Variation ID: 66086). Invitae Evidence Modeling of protein sequence and biophysical properties (such as structural, functional, and spatial information, amino acid conservation, physicochemical variation, residue mobility, and thermodynamic stability) has been performed for this missense variant. However, the output from this modeling did not meet the statistical confidence thresholds required to predict the impact of this variant on ALG13 protein function. For these reasons, this variant has been classified as Pathogenic.

Dubai Health Genomic Medicine Center, Dubai Health
Classification: Pathogenic for Developmental and epileptic encephalopathy 36. Last evaluated: 2024-10-04. Review status: criteria provided, single submitter. Criteria: ACMG Guidelines, 2015. Collection method: research. Allele origin: germline. Affected: yes.
Comment: PS2,PM5,PM2

Blueprint Genetics
Classification: Pathogenic for ALG13-related disorders. Last evaluated: 2024-09-19. Review status: criteria provided, single submitter. Criteria: ACMG Guidelines, 2015. Collection method: clinical testing. Allele origin: germline. Affected: yes. Observed: 4 variant alleles.

Unidad de Genómica Garrahan, Hospital de Pediatría Garrahan
Classification: Pathogenic for Developmental and epileptic encephalopathy. Last evaluated: 2023-01-01. Review status: criteria provided, single submitter. Criteria: ACMG Guidelines, 2015. Collection method: clinical testing. Allele origin: de novo. Affected: yes. Observed: 2 variant alleles.
Comment: ACMG/AMP criteria applied: PS3, PM2, PM5, PM6. Mosaicism (23.6%).

GeneDx
Classification: Pathogenic. Last evaluated: 2022-12-01. Review status: criteria provided, single submitter. Criteria: GeneDx Variant Classification Process June 2021. Collection method: clinical testing. Allele origin: germline. Affected: yes.
Comment: Not observed at significant frequency in large population cohorts (gnomAD); In silico analysis supports that this missense variant has a deleterious effect on protein structure/function; This variant is associated with the following publications: (PMID: 23934111, 26482601, 25877686, 26633542, 28628100, 28778787, 28940310, 28777499, 31444733, 31440721, 32695065, 32238909, 29186148, 30174244, 25732998, 23033978, 24896178, 24781210, 26138355, 27476654, 25533962, 28867141, 29314763, 29190809, 29588952, 28887793, 32681751, 33410528, 31164858, 28191890, 33643843, 33413482, 32978145, 33734437, 32005694, 31785789, 31069529, 35701389)

Fulgent Genetics
Classification: Pathogenic for Developmental and epileptic encephalopathy, 36. Last evaluated: 2022-02-23. Review status: criteria provided, single submitter. Criteria: ACMG Guidelines, 2015. Collection method: clinical testing. Allele origin: unknown.

Cytogénomique, Hospices Civils de Lyon
Classification: Pathogenic for Seizure. Last evaluated: 2020-10-29. Review status: criteria provided, single submitter. Criteria: ACMG Guidelines, 2015. Collection method: clinical testing. Allele origin: unknown. Inheritance: X-linked dominant inheritance. Affected: yes. Observed: 1 variant allele, 1 heterozygote.
Comment: Recurrent pathogenic variant.

Institute of Medical Genetics and Applied Genomics, University Hospital Tübingen
Classification: Pathogenic. Last evaluated: 2020-10-23. Review status: criteria provided, single submitter. Criteria: ACMG Guidelines, 2015. Collection method: clinical testing. Allele origin: germline. Inheritance: X-linked inheritance. Affected: yes.

Institute of Human Genetics, University of Leipzig Medical Center
Classification: Pathogenic for Intellectual disability. Last evaluated: 2020-08-03. Review status: criteria provided, single submitter. Criteria: ACMG Guidelines, 2015. Collection method: clinical testing. Allele origin: de novo. Affected: yes.

Cavalleri Lab, Royal College of Surgeons in Ireland
Classification: Pathogenic for Developmental and epileptic encephalopathy, 36. Last evaluated: 2019-12-11. Review status: criteria provided, single submitter. Criteria: ACMG Guidelines, 2015. Collection method: research. Allele origin: de novo. Inheritance: Sporadic. Affected: yes.
Comment: ACMG evidence PS1, PS2, PM2, PP3